The following is an entry in ClinVar:

NM_004369.4(COL6A3):c.3127_3129delinsAGT (p.Gly1043Ser)

Gene: COL6A3 (collagen type VI alpha 3 chain; minus strand). Cytogenetic location: 2q37.3.
Variant type: Indel.
Coding change: c.3127_3129delinsAGT on transcript NM_004369.4 (MANE Select); coding-DNA positions 3127 to 3129, GGC replaced by AGT.
Protein change: p.Gly1043Ser; replaces glycine 1043 with serine.
Molecular consequence: missense variant.
Genome position (GRCh38, 1-based): chr2:237,374,962-237,374,964, GCC replaced by ACT on the plus strand (GGC replaced by AGT on the coding strand, the reverse complement: COL6A3 is on the minus strand). VCF-style: chr2-237374962-GCC-ACT. GRCh37 (hg19) VCF-style: chr2-238283605-GCC-ACT.
Other names: c.3127_3129delGGCinsAGT, p.Gly1043Ser (NM_004369.3); c.1906_1908delinsAGT, p.Gly636Ser (NM_057164.5); c.2509_2511delinsAGT, p.Gly837Ser (NM_057165.5, NM_057167.4); c.1306_1308delinsAGT, p.Gly436Ser (NM_057166.5); short protein forms G1043S, G436S, G636S, G837S.
Identifiers: ClinVar variation 1809919 (VCV001809919.1), dbSNP rs2469907096, ClinGen allele CA2580066122.
Genomic context (GRCh38, chr2:237,374,962, plus strand): 5'-GTCCTGGCCCACATCCAGGCTTTCCACCACTCTCTGGACAAACTCTTTCAACAGAGGGAA[GCC>ACT]GCTCCTGACGCCCTCAGAGCCATCAAGCAGAAACACCACGTCCTTTTCACCTGAAACTGG-3'
Protein context (NP_004360.2, residues 1033-1053): LLDGSEGVRS[Gly1043Ser]FPLLKEFVQR

ClinVar aggregate classification (germline): Uncertain significance (1 of 4 stars; one submission).

Submission:

GeneDx
Classification: Uncertain significance. Last evaluated: 2022-06-28. Review status: criteria provided, single submitter. Criteria: GeneDx Variant Classification Process June 2021. Collection method: clinical testing. Allele origin: germline. Affected: yes.
Comment: In silico analysis supports that this variant does not alter protein structure/function; Has not been previously published as pathogenic or benign to our knowledge